The following is an entry in ClinVar:

ClinVar aggregate classification (germline): Uncertain significance (1 of 4 stars; one submission).

Submission:

Women's Health and Genetics/Laboratory Corporation of America, LabCorp
Classification: Uncertain significance. Last evaluated: 2024-10-08. Review status: criteria provided, single submitter. Criteria: LabCorp Variant Classification Summary - May 2015. Collection method: clinical testing. Allele origin: germline.
Comment: Variant summary: NLRP12 c.1895_1896delinsTG (p.His632Leu) results in a non-conservative amino acid change in the encoded protein sequence. Four of five in-silico tools predict a damaging effect of the variant on protein function. The variant was absent in 251436 control chromosomes (gnomAD). The available data on variant occurrences in the general population are insufficient to allow any conclusion about variant significance. To our knowledge, no occurrence of c.1895_1896delinsTG in individuals affected with Familial cold autoinflammatory syndrome 2 and no experimental evidence demonstrating its impact on protein function have been reported. No submitters have cited clinical-significance assessments for this variant to ClinVar. Based on the evidence outlined above, the variant was classified as uncertain significance.

NM_144687.4(NLRP12):c.1895_1896delinsTG (p.His632Leu)

Gene: NLRP12 (NLR family pyrin domain containing 12; minus strand). Cytogenetic location: 19q13.42.
Variant type: Indel.
Coding change: c.1895_1896delinsTG on transcript NM_144687.4 (MANE Select); coding-DNA positions 1895 to 1896, AC replaced by TG.
Protein change: p.His632Leu; replaces histidine 632 with leucine.
Molecular consequence: missense variant.
Genome position (GRCh38, 1-based): chr19:53,809,763-53,809,764, GT replaced by CA on the plus strand (AC replaced by TG on the coding strand, the reverse complement: NLRP12 is on the minus strand). VCF-style: chr19-53809763-GT-CA. GRCh37 (hg19) VCF-style: chr19-54313017-GT-CA.
Other names: c.1895_1896delinsTG, p.His632Leu (NM_001277126.2, NM_001277129.1); short protein forms H632L.
Identifiers: ClinVar variation 3384844 (VCV003384844.1).